The following is an entry in ClinVar:

NM_000159.4(GCDH):c.1131A>C (p.Lys377Asn)

Gene: GCDH (glutaryl-CoA dehydrogenase; plus strand). Cytogenetic location: 19p13.13.
Variant type: single nucleotide variant.
Coding change: c.1131A>C on transcript NM_000159.4 (MANE Select); coding-DNA position 1131, A replaced by C.
Protein change: p.Lys377Asn; replaces lysine 377 with asparagine.
Molecular consequence: missense variant. On other transcripts: non-coding transcript variant (2).
Genome position (GRCh38, 1-based): chr19:12,897,751, A>C. VCF-style: chr19-12897751-A-C. GRCh37 (hg19) VCF-style: chr19-13008565-A-C.
Other names: c.1131A>C, p.Lys377Asn (NM_013976.5); short protein forms K377N.
Identifiers: ClinVar variation 1041193 (VCV001041193.9), dbSNP rs139241235, ClinGen allele CA404321427.

ClinVar aggregate classification (germline): Uncertain significance (1 of 4 stars; one submission).

Conditions:
Glutaric aciduria, type 1. Also called: Glutaricacidemia Type 1; Glutaricaciduria, type I; GA I; Glutaric Acidemia Type 1; Glutaryl-CoA dehydrogenase deficiency; Glutaric acidemia type I. Identifiers: Orphanet 25, MedGen C0268595, MONDO:0009281, OMIM 231670.

Submission:

Labcorp Genetics (formerly Invitae), Labcorp
Classification: Uncertain significance for Glutaric aciduria, type 1. Last evaluated: 2020-10-19. Review status: criteria provided, single submitter. Criteria: Invitae Variant Classification Sherloc (09022015). Collection method: clinical testing. Allele origin: germline.
Comment: In summary, the available evidence is currently insufficient to determine the role of this variant in disease. Therefore, it has been classified as a Variant of Uncertain Significance. Advanced modeling of protein sequence and biophysical properties (such as structural, functional, and spatial information, amino acid conservation, physicochemical variation, residue mobility, and thermodynamic stability) performed at Invitae indicates that this missense variant is expected to disrupt GCDH protein function. This variant has not been reported in the literature in individuals with GCDH-related conditions. This variant is not present in population databases (ExAC no frequency). This sequence change replaces lysine with asparagine at codon 377 of the GCDH protein (p.Lys377Asn). The lysine residue is highly conserved and there is a moderate physicochemical difference between lysine and asparagine.